The following is an entry in ClinVar:

NM_000088.4(COL1A1):c.2645G>A (p.Arg882Gln)

Gene: COL1A1 (collagen type I alpha 1 chain; minus strand). Cytogenetic location: 17q21.33.
Variant type: single nucleotide variant.
Coding change: c.2645G>A on transcript NM_000088.4 (MANE Select); coding-DNA position 2645, G replaced by A.
Protein change: p.Arg882Gln; replaces arginine 882 with glutamine.
Molecular consequence: missense variant.
Genome position (GRCh38, 1-based): chr17:50,189,701, C>T on the plus strand (G>A on the coding strand, the complement: COL1A1 is on the minus strand). VCF-style: chr17-50189701-C-T. GRCh37 (hg19) VCF-style: chr17-48267062-C-T.
Other names: c.2645G>A (NM_000088.3); short protein forms R882Q.
Identifiers: ClinVar variation 999069 (VCV000999069.11), dbSNP rs754077452, ClinGen allele CA8644714.
Genomic context (GRCh38, chr17:50,189,701, plus strand): 5'-CCCAACCTAGAGCAGTGGACTCTGCTGCAGAGACTTACAGAGGGGCCAGGAGGACCGACT[C>T]GGCCAGCAGCACCAGGGAAACCAGTAGCACCCTGGAAGGAGAGAACATAGGAACAGTCAG-3'
Protein context (NP_000079.2, residues 872-892): GATGFPGAAG[Arg882Gln]VGPPGPSGNA

ClinVar aggregate classification (germline): Uncertain significance. Review status: criteria provided, multiple submitters, no conflicts (2 of 4 stars). 3 submissions from 3 submitters: Uncertain significance (3). Last evaluated 2025-12-26.

Conditions:
Osteogenesis imperfecta type I (OI1). Also called: Classic Non-deforming Osteogenesis Imperfecta with Blue Sclerae; OI, TYPE I; OSTEOGENESIS IMPERFECTA TARDA; OSTEOGENESIS IMPERFECTA WITH BLUE SCLERAE; Osteogenesis imperfecta type 1; Lobstein's Disease. Identifiers: Orphanet 216796, Orphanet 666, MedGen C0023931, MONDO:0008146, OMIM 166200. Disease mechanism: loss of function.
COL1A1-related disorder. Also called: COL1A1- related disease; COL1A1-related condition.
Cardiovascular phenotype. Identifiers: MedGen CN230736.

Allele frequency attached by ClinVar (database versions not stated): TOPMed below 0.00001; ExAC 0.00001; gnomAD 0.00001; gnomAD exomes 0.00001.
gnomAD v4.1: 21 of 1,613,776 alleles (0.0013%); highest among the groups gnomAD compares: Admixed American, 0.0017%; no homozygotes.

Submissions (3):

Ambry Genetics
Classification: Uncertain significance for Cardiovascular phenotype. Last evaluated: 2025-12-26. Review status: criteria provided, single submitter. Criteria: Ambry Variant Classification Scheme 2023. Collection method: clinical testing. Allele origin: germline.
Comment: The p.R882Q variant (also known as c.2645G>A), located in coding exon 38 of the COL1A1 gene, results from a G to A substitution at nucleotide position 2645. The arginine at codon 882 is replaced by glutamine, an amino acid with highly similar properties. This amino acid position is conserved. In addition, the in silico prediction for this alteration is inconclusive. Based on the available evidence, the clinical significance of this variant remains unclear.

PreventionGenetics, part of Exact Sciences
Classification: Uncertain significance for COL1A1-related condition. Last evaluated: 2025-03-27. Review status: criteria provided, single submitter. Criteria: ACMG Guidelines, 2015. Collection method: clinical testing. Allele origin: germline.
Comment: The COL1A1 c.2645G>A variant is predicted to result in the amino acid substitution p.Arg882Gln. To our knowledge, this variant has not been reported in the literature. This variant is reported in 0.0029% of alleles in individuals of Latino descent in gnomAD. At this time, the clinical significance of this variant is uncertain due to the absence of conclusive functional and genetic evidence.

Labcorp Genetics (formerly Invitae), Labcorp
Classification: Uncertain significance for Osteogenesis imperfecta type I. Last evaluated: 2022-08-15. Review status: criteria provided, single submitter. Criteria: Invitae Variant Classification Sherloc (09022015). Collection method: clinical testing. Allele origin: germline.
Comment: In summary, the available evidence is currently insufficient to determine the role of this variant in disease. Therefore, it has been classified as a Variant of Uncertain Significance. Algorithms developed to predict the effect of missense changes on protein structure and function are either unavailable or do not agree on the potential impact of this missense change (SIFT: "Deleterious"; PolyPhen-2: "Not Available"; Align-GVGD: "Class C0"). ClinVar contains an entry for this variant (Variation ID: 999069). This variant has not been reported in the literature in individuals affected with COL1A1-related conditions. This variant is present in population databases (rs754077452, gnomAD 0.003%). This sequence change replaces arginine, which is basic and polar, with glutamine, which is neutral and polar, at codon 882 of the COL1A1 protein (p.Arg882Gln).